The following is an entry in ClinVar:

NM_001032386.2(SUOX):c.793G>A (p.Ala265Thr)

Gene: SUOX (sulfite oxidase; plus strand). Cytogenetic location: 12q13.2.
Variant type: single nucleotide variant.
Coding change: c.793G>A on transcript NM_001032386.2 (MANE Select); coding-DNA position 793, G replaced by A.
Protein change: p.Ala265Thr; replaces alanine 265 with threonine.
Molecular consequence: missense variant.
Genome position (GRCh38, 1-based): chr12:56,004,182, G>A. VCF-style: chr12-56004182-G-A. GRCh37 (hg19) VCF-style: chr12-56397966-G-A.
Other names: c.793G>A, p.Ala265Thr (NM_000456.3, NM_001032387.2); short protein forms A265T.
Identifiers: ClinVar variation 1062010 (VCV001062010.7), dbSNP rs2136512114, ClinGen allele CA385287820.
Genomic context (GRCh38, chr12:56,004,182, plus strand): 5'-CTTTCCCTGGATGACTTGCACAACTTTCCCAGGTACGAGATCACAGTCACTCTGCAGTGT[G>A]CCGGCAACCGACGCTCTGAGATGACTCAGGTCAAAGAAGTAAAAGGTCTGGAGTGGAGAA-3'
Protein context (NP_001027558.1, residues 255-275): RYEITVTLQC[Ala265Thr]GNRRSEMTQV

ClinVar aggregate classification (germline): Uncertain significance (1 of 4 stars; one submission).

Conditions:
Sulfite oxidase deficiency. Also called: Isolated sulfite oxidase deficiency. Identifiers: Orphanet 833, Orphanet 99731, MedGen C0268624, MONDO:0010089, OMIM 272300, HP:0003643.

Submission:

Labcorp Genetics (formerly Invitae), Labcorp
Classification: Uncertain significance for Sulfite oxidase deficiency. Last evaluated: 2022-06-09. Review status: criteria provided, single submitter. Criteria: Invitae Variant Classification Sherloc (09022015). Collection method: clinical testing. Allele origin: germline.
Comment: This sequence change replaces alanine, which is neutral and non-polar, with threonine, which is neutral and polar, at codon 265 of the SUOX protein (p.Ala265Thr). This variant is not present in population databases (gnomAD no frequency). This variant has not been reported in the literature in individuals affected with SUOX-related conditions. ClinVar contains an entry for this variant (Variation ID: 1062010). Algorithms developed to predict the effect of missense changes on protein structure and function are either unavailable or do not agree on the potential impact of this missense change (SIFT: "Deleterious"; PolyPhen-2: "Probably Damaging"; Align-GVGD: "Class C0"). In summary, the available evidence is currently insufficient to determine the role of this variant in disease. Therefore, it has been classified as a Variant of Uncertain Significance.